The following is an entry in ClinVar:

ClinVar aggregate classification (germline): Conflicting classifications of pathogenicity. Review status: criteria provided, conflicting classifications (1 of 4 stars). 6 submissions from 3 submitters: Uncertain significance (4); Benign (1); Likely benign (1). Last evaluated 2024-02-22.

Conditions:
Transitory neonatal diabetes mellitus. Also called: Transient neonatal diabetes mellitus. Identifiers: MedGen C0342273, MONDO:0020525, HP:0008255.
Diabetes mellitus, transient neonatal, 2 (TNDM2). Identifiers: Orphanet 99886, MedGen C1835887, MONDO:0012480, OMIM 610374. Disease mechanism: loss of function.
Maturity-onset diabetes of the young (MODY). Also called: Maturity onset diabetes mellitus in young. Identifiers: Orphanet 552, MedGen C0342276, MONDO:0018911, HP:0004904.
Hyperinsulinemic hypoglycemia, familial, 1 (HHF1). Also called: Persistent hyperinsulinemic hypoglycemia of infancy; Persistent Hyperinsulinemia Hypoglycemia of Infancy; HYPERINSULINISM, FAMILIAL, WITH PANCREATIC NESIDIOBLASTOSIS; HYPOGLYCEMIA, HYPERINSULINEMIC, OF INFANCY; NESIDIOBLASTOSIS OF PANCREAS. Identifiers: Orphanet 276575, Orphanet 276598, MedGen C2931832, MONDO:0009734, OMIM 256450.
Permanent neonatal diabetes mellitus (PNDM). Identifiers: Orphanet 99885, MedGen C1833104, MONDO:0100164, MONDO:0011643. Disease mechanism: gain of function.

Allele frequency attached by ClinVar (database versions not stated): gnomAD below 0.00001 and 0.00001; gnomAD exomes 0.00006; ExAC 0.00007.

Submissions (7):

Labcorp Genetics (formerly Invitae), Labcorp
Classification: Likely benign. Last evaluated: 2024-02-22. Review status: criteria provided, single submitter. Criteria: Invitae Variant Classification Sherloc (09022015). Collection method: clinical testing. Allele origin: germline.

Illumina Laboratory Services, Illumina
Classification: Uncertain significance for Hyperinsulinemic hypoglycemia, familial, 1. Last evaluated: 2018-01-13. Review status: criteria provided, single submitter. Criteria: ICSL Variant Classification Criteria 13 December 2019. Collection method: clinical testing. Allele origin: germline.

Illumina Laboratory Services, Illumina
Classification: Benign for Diabetes mellitus, transient neonatal, 2. Last evaluated: 2018-01-13. Review status: criteria provided, single submitter. Criteria: ICSL Variant Classification Criteria 13 December 2019. Collection method: clinical testing. Allele origin: germline.
Comment: This variant was observed in the ICSL laboratory as part of a predisposition screen in an ostensibly healthy population. It had not been previously curated by ICSL or reported in the Human Gene Mutation Database (HGMD: prior to June 1st, 2018), and was therefore a candidate for classification through an automated scoring system. Utilizing variant allele frequency, disease prevalence and penetrance estimates, and inheritance mode, an automated score was calculated to assess if this variant is too frequent to cause the disease. Based on the score and internal cut-off values, a variant classified as benign is not then subjected to further curation. The score for this variant resulted in a classification of benign for this disease.

Illumina Laboratory Services, Illumina
Classification: Uncertain significance for Permanent neonatal diabetes mellitus 1. Last evaluated: 2018-01-13. Review status: criteria provided, single submitter. Criteria: ICSL Variant Classification Criteria 13 December 2019. Collection method: clinical testing. Allele origin: germline.

Clinical Genomics, Uppaluri K&H Personalized Medicine Clinic
Classification: Uncertain significance for Maturity-onset diabetes of the young. Review status: criteria provided, single submitter. Criteria: K & H Uppaluri Personalized Medicine Clinic Variant Classification & Assertion Criteria_Updated V.1. Collection method: research. Allele origin: unknown. Inheritance: Somatic mutation.
Comment: Mutations in ABCC8 gene are associated with both neonatal diabetes mellitus as well as MODY. Patients with this mutation may have a better response to sulfonylureas. However, no sufficient evidence is found to ascertain the role of this particular variant ( rs771196330) in MODY yet.

Clinical Genomics, Uppaluri K&H Personalized Medicine Clinic
Classification: Uncertain significance for Transitory neonatal diabetes mellitus. Review status: criteria provided, single submitter. Criteria: K & H Uppaluri Personalized Medicine Clinic Variant Classification & Assertion Criteria_Updated V.1. Collection method: research. Allele origin: unknown. Inheritance: Somatic mutation.
Comment: Mutations in ABCC8 gene are associated with both neonatal diabetes mellitus as well as MODY. Patients with this mutation may have a better response to sulfonylureas. However, no sufficient evidence is found to ascertain the role of this particular variant ( rs771196330) in neonatal diabetes yet.

Dr. Peter K. Rogan Lab, Western University
No classification provided (evidence only). Condition: Sarcoma. Review status: no classification provided. Collection method: in vitro. Allele origin: not applicable. Functional consequence: retained intron. Not counted in ClinVar's aggregate classification.

Literature cited by the submitters: PubMed 16885549 (cited by Clinical Genomics, Uppaluri K&H Personalized Medicine Clinic); PubMed 21989597 (cited by Clinical Genomics, Uppaluri K&H Personalized Medicine Clinic); PubMed 27538677 (cited by Clinical Genomics, Uppaluri K&H Personalized Medicine Clinic); PubMed 18981553 (cited by Clinical Genomics, Uppaluri K&H Personalized Medicine Clinic); PubMed 32027066 (cited by Clinical Genomics, Uppaluri K&H Personalized Medicine Clinic); PubMed 16613899 (cited by Clinical Genomics, Uppaluri K&H Personalized Medicine Clinic); PubMed 18025408 (cited by Clinical Genomics, Uppaluri K&H Personalized Medicine Clinic); PubMed 32792356 (cited by Clinical Genomics, Uppaluri K&H Personalized Medicine Clinic).

NM_000352.6(ABCC8):c.580-7C>A

Gene: ABCC8 (ATP binding cassette subfamily C member 8; minus strand). Cytogenetic location: 11p15.1.
Variant type: single nucleotide variant.
Coding change: c.580-7C>A on transcript NM_000352.6 (MANE Select); 7 bases into the intron before coding-DNA position 580, C replaced by A.
Molecular consequence: intron variant.
Genome position (GRCh38, 1-based): chr11:17,461,832, G>T on the plus strand (C>A on the coding strand, the complement: ABCC8 is on the minus strand). VCF-style: chr11-17461832-G-T. GRCh37 (hg19) VCF-style: chr11-17483379-G-T.
Other names: c.580-7C>A (NM_001351297.2, NM_001351296.2, NM_001351295.2 and 1 more transcripts).
Identifiers: ClinVar variation 878390 (VCV000878390.11), dbSNP rs771196330, ClinGen allele CA5903823.